The following is an entry in ClinVar:

NM_022552.5(DNMT3A):c.2546C>A (p.Pro849His)

Gene: DNMT3A (DNA methyltransferase 3 alpha; minus strand). Cytogenetic location: 2p23.3.
Variant type: single nucleotide variant.
Coding change: c.2546C>A on transcript NM_022552.5 (MANE Select); coding-DNA position 2546, C replaced by A.
Protein change: p.Pro849His; replaces proline 849 with histidine.
Molecular consequence: missense variant. On other transcripts: non-coding transcript variant (1).
Genome position (GRCh38, 1-based): chr2:25,235,758, G>T on the plus strand (C>A on the coding strand, the complement: DNMT3A is on the minus strand). VCF-style: chr2-25235758-G-T. GRCh37 (hg19) VCF-style: chr2-25458627-G-T.
Other names: c.2090C>A, p.Pro697His (NM_001320893.1); c.1877C>A, p.Pro626His (NM_001375819.1); c.1979C>A, p.Pro660His (NM_153759.3); c.2546C>A, p.Pro849His (NM_175629.2); short protein forms P626H, P660H, P697H, P849H.
Identifiers: ClinVar variation 834203 (VCV000834203.10), dbSNP rs1673285954, ClinGen allele CA346068644.

ClinVar aggregate classification (germline): Uncertain significance (1 of 4 stars; one submission).

Conditions:
Tatton-Brown-Rahman overgrowth syndrome. Also called: Tall stature-intellectual disability-facial dysmorphism syndrome; Tatton-Brown-Rahman syndrome. Identifiers: Orphanet 404443, MedGen C4014545, MONDO:0014382, OMIM 615879.

gnomAD v4.1: 1 of 1,614,214 alleles (0.000062%); highest among the groups gnomAD compares: Non-Finnish European, 0.000085%; no homozygotes.

Submission:

Labcorp Genetics (formerly Invitae), Labcorp
Classification: Uncertain significance for Tatton-Brown-Rahman overgrowth syndrome. Last evaluated: 2019-04-24. Review status: criteria provided, single submitter. Criteria: Invitae Variant Classification Sherloc (09022015). Collection method: clinical testing. Allele origin: germline.
Comment: This sequence change replaces proline with histidine at codon 849 of the DNMT3A protein (p.Pro849His). The proline residue is highly conserved and there is a moderate physicochemical difference between proline and histidine. In summary, the available evidence is currently insufficient to determine the role of this variant in disease. Therefore, it has been classified as a Variant of Uncertain Significance. Algorithms developed to predict the effect of missense changes on protein structure and function are either unavailable or do not agree on the potential impact of this missense change (SIFT: "Deleterious"; PolyPhen-2: "Probably Damaging"; Align-GVGD: "Class C0"). This variant has not been reported in the literature in individuals with DNMT3A-related conditions. This variant is not present in population databases (ExAC no frequency).